The following is an entry in ClinVar:

NM_001009944.3(PKD1):c.165dup (p.Leu56fs)

Gene: PKD1 (polycystin 1, transient receptor potential channel interacting; minus strand). Cytogenetic location: 16p13.3.
Variant type: Duplication.
Coding change: c.165dup on transcript NM_001009944.3 (MANE Select); coding-DNA position 165, one base duplicated (G; older notation c.165dupG).
Protein change: p.Leu56fs; shifts the reading frame from leucine 56.
Molecular consequence: frameshift variant.
Genome position (GRCh38, 1-based): chr16:2,135,525, C duplicated on the plus strand (G on the coding strand, the reverse complement: PKD1 is on the minus strand); the first of 3 consecutive C bases (chr16:2,135,525-2,135,527); duplicating any one gives the same sequence. VCF-style (leftmost placement, unchanged base first): chr16-2135524-G-GC. GRCh37 (hg19) VCF-style: chr16-2185525-G-GC.
Other names: c.165dup, p.Leu56fs (NM_000296.4); c.165dupG (NM_001009944.2); short protein forms L56fs.
Identifiers: ClinVar variation 3345981 (VCV003345981.1).

ClinVar aggregate classification (germline): Pathogenic (0 of 4 stars; one submission).

Conditions:
PKD1-related disorder. Also called: PKD1-related condition.

Submission:

PreventionGenetics, part of Exact Sciences
Classification: Pathogenic for PKD1-related condition. Last evaluated: 2024-08-18. Review status: no assertion criteria provided. Collection method: clinical testing. Allele origin: germline.
Comment: The PKD1 c.165dupG variant is predicted to result in a frameshift and premature protein termination (p.Leu56Alafs*58). To our knowledge, this variant has not been reported in the literature or in a large population database, indicating this variant is rare. Frameshift variants in PKD1 are expected to be pathogenic. This variant is interpreted as pathogenic.